The following is an entry in ClinVar:

ClinVar aggregate classification (germline): Uncertain significance (1 of 4 stars; one submission).

Conditions:
Inborn genetic diseases. Identifiers: MedGen C0950123, MeSH D030342.

gnomAD v4.1: 12 of 1,608,804 alleles (0.00075%); highest among the groups gnomAD compares: Non-Finnish European, 0.00025%; no homozygotes.

Submission:

Ambry Genetics
Classification: Uncertain significance for Inborn genetic diseases. Last evaluated: 2025-02-14. Review status: criteria provided, single submitter. Criteria: Ambry Variant Classification Scheme 2023. Collection method: clinical testing. Allele origin: germline.
Comment: The p.L206V variant (also known as c.616C>G), located in coding exon 4 of the ERCC6L2 gene, results from a C to G substitution at nucleotide position 616. The leucine at codon 206 is replaced by valine, an amino acid with highly similar properties. This amino acid position is conserved. In addition, this alteration is predicted to be deleterious by in silico analysis. Based on the available evidence, the clinical significance of this variant remains unclear.

NM_020207.7(ERCC6L2):c.616C>G (p.Leu206Val)

Gene: ERCC6L2 (ERCC excision repair 6 like 2; plus strand). Cytogenetic location: 9q22.32.
Variant type: single nucleotide variant.
Coding change: c.616C>G on transcript NM_020207.7 (MANE Select); coding-DNA position 616, C replaced by G.
Protein change: p.Leu206Val; replaces leucine 206 with valine.
Molecular consequence: missense variant. On other transcripts: non-coding transcript variant (1).
Genome position (GRCh38, 1-based): chr9:95,907,099, C>G. VCF-style: chr9-95907099-C-G. GRCh37 (hg19) VCF-style: chr9-98669381-C-G.
Other names: c.616C>G, p.Leu206Val (NM_001010895.4, NM_001375291.1, NM_001375292.1 and 2 more transcripts); short protein forms L206V.
Identifiers: ClinVar variation 3845931 (VCV003845931.1).
Genomic context (GRCh38, chr9:95,907,099, plus strand): 5'-TTTTTAAAAAACAGCAAAATTTTTTTATTCTTGTTTTAGATGTTCTTAATAGTTGCTCCT[C>G]TTTCTGTCCTCTACAACTGGAAGGATGAATTGGACACCTGGGGATATTTCAGAGTCACTG-3'
Protein context (NP_064592.3, residues 196-216): AKKMFLIVAP[Leu206Val]SVLYNWKDEL